The following is an entry in ClinVar:

NM_013975.4(LIG3):c.1208+3G>T

Gene: LIG3 (DNA ligase 3; plus strand). Cytogenetic location: 17q12.
Variant type: single nucleotide variant.
Coding change: c.1208+3G>T on transcript NM_013975.4 (MANE Select); 3 bases into the intron after coding-DNA position 1208, G replaced by T.
Molecular consequence: intron variant.
Genome position (GRCh38, 1-based): chr17:34,991,840, G>T. VCF-style: chr17-34991840-G-T. GRCh37 (hg19) VCF-style: chr17-33318859-G-T.
Other names: c.1208+3G>T (NM_002311.5).
Identifiers: ClinVar variation 496412 (VCV000496412.1), dbSNP rs375260860, ClinGen allele CA8498267.
Genomic context (GRCh38, chr17:34,991,840, plus strand): 5'-TGTCCAAGCTCACCAAGGAGGATGAGCAGCAACAGGCCCTACAGGACATTGCCTCCAGGT[G>T]GGGGAGCTGCCTCCGTCAAACCATGCCCATAGAGAGATGAACTCTCTTGGGAAGGGAAGG-3'

ClinVar aggregate classification (germline): Benign (1 of 4 stars; one submission).

Allele frequency attached by ClinVar (database versions not stated): ESP Exome Variant Server 0.00008; gnomAD 0.00003.
gnomAD v4.1: 25 of 1,613,894 alleles (0.0015%); highest among the groups gnomAD compares: Middle Eastern, 0.016%; no homozygotes.

Submission:

Women's Health and Genetics/Laboratory Corporation of America, LabCorp
Classification: Benign. Last evaluated: 2016-12-25. Review status: criteria provided, single submitter. Criteria: LabCorp Variant Classification Summary - May 2015. Collection method: clinical testing. Allele origin: germline.
Comment: Variant summary: c.1208+3G>T in LIG3 gene is an intronic change that involves a non-conserved nucleotide. 5/5 programs in Alamut predict that this variant does not have a major effect on a normal splicing, however no functional studies supporting this notion were published at the time of evaluation. The variant is present in the control population dataset of ExAC at frequency of 0.000058 (7/121326 chrs tested), predominantly in individuals of European descent (0.00009; 6/66694 chrs tested). The observed frequencies exceed the maximum expected allele frequency for a pathogenic variant of 0.00001 suggesting that it is a benign polymorphism. The variant of interest has not, to our knowledge, been reported in affected individuals in published reports or cited by reputable databases/clinical laboratory. Taking together, based on the prevalence of this variant in general population the variant was classified as Benign.